The following is an entry in ClinVar:

NM_016239.4(MYO15A):c.9341dup (p.Tyr3114Ter)

Gene: MYO15A (myosin XVA; plus strand). Cytogenetic location: 17p11.2.
Variant type: Duplication.
Coding change: c.9341dup on transcript NM_016239.4 (MANE Select); coding-DNA position 9341, one base duplicated (A; older notation c.9341dupA).
Protein change: p.Tyr3114Ter; replaces tyrosine 3114 with a stop codon.
Molecular consequence: nonsense.
Genome position (GRCh38, 1-based): chr17:18,159,972, A duplicated. VCF-style (leftmost placement, unchanged base first): chr17-18159971-T-TA. GRCh37 (hg19) VCF-style: chr17-18063285-T-TA.
Other names: short protein forms Y3114*.
Identifiers: ClinVar variation 2627524 (VCV002627524.1), dbSNP rs2545311747, ClinGen allele CA2582342152.

ClinVar aggregate classification (germline): Likely pathogenic (1 of 4 stars; one submission).

Conditions:
Autosomal recessive nonsyndromic hearing loss 3. Also called: NEUROSENSORY NONSYNDROMIC RECESSIVE DEAFNESS 3. Identifiers: Orphanet 90636, MedGen C1838263, MONDO:0010860, OMIM 600316.

Allele frequency attached by ClinVar (database versions not stated): gnomAD exomes below 0.00001.

Submission:

Neuberg Centre For Genomic Medicine, NCGM
Classification: Likely pathogenic for Autosomal recessive nonsyndromic hearing loss 3. Review status: criteria provided, single submitter. Criteria: ACMG Guidelines, 2015. Collection method: clinical testing. Allele origin: germline. Inheritance: Autosomal recessive inheritance. Affected: yes.
Comment: The frameshift duplication p.Y3114*fs in MYO15A (NM_016239.4) has not been reported previously as a pathogenic variant nor as a benign variant, to our knowledge. The p.Y3114*fs variant is novel (not in any individuals) in gnomAD Exomes and is novel (not in any individuals) in 1000 Genomes. This variant is predicted to cause loss of normal protein function through protein truncation. Loss of function variants have been previously reported to be disease causing. For these reasons, this variant has been classified as Likely Pathogenic.